The following is an entry in ClinVar:

ClinVar aggregate classification (germline): Uncertain significance (1 of 4 stars; one submission).

Submission:

Labcorp Genetics (formerly Invitae), Labcorp
Classification: Uncertain significance. Last evaluated: 2022-03-28. Review status: criteria provided, single submitter. Criteria: Invitae Variant Classification Sherloc (09022015). Collection method: clinical testing. Allele origin: germline.
Comment: This sequence change replaces lysine, which is basic and polar, with glutamic acid, which is acidic and polar, at codon 391 of the GPR143 protein (p.Lys391Glu). This variant is not present in population databases (gnomAD no frequency). This variant has not been reported in the literature in individuals affected with GPR143-related conditions. Algorithms developed to predict the effect of missense changes on protein structure and function output the following: SIFT: "Tolerated"; PolyPhen-2: "Benign"; Align-GVGD: "Class C0". The glutamic acid amino acid residue is found in multiple mammalian species, which suggests that this missense change does not adversely affect protein function. In summary, the available evidence is currently insufficient to determine the role of this variant in disease. Therefore, it has been classified as a Variant of Uncertain Significance.

NM_000273.3(GPR143):c.1171A>G (p.Lys391Glu)

Gene: GPR143 (G protein-coupled receptor 143; minus strand). Cytogenetic location: Xp22.2.
Variant type: single nucleotide variant.
Coding change: c.1171A>G on transcript NM_000273.3 (MANE Select); coding-DNA position 1171, A replaced by G.
Protein change: p.Lys391Glu; replaces lysine 391 with glutamic acid.
Molecular consequence: missense variant.
Genome position (GRCh38, 1-based): chrX:9,725,790, T>C on the plus strand (A>G on the coding strand, the complement: GPR143 is on the minus strand). VCF-style: chrX-9725790-T-C. GRCh37 (hg19) VCF-style: chrX-9693830-T-C.
Other names: short protein forms K391E.
Identifiers: ClinVar variation 2118864 (VCV002118864.4), dbSNP rs2083322981, ClinGen allele CA411992295.